The following is an entry in ClinVar:

NM_001083961.2(WDR62):c.1575C>T (p.Asp525=)

Gene: WDR62 (WD repeat domain 62; plus strand). Cytogenetic location: 19q13.12.
Variant type: single nucleotide variant.
Coding change: c.1575C>T on transcript NM_001083961.2 (MANE Select); coding-DNA position 1575, C replaced by T.
Protein change: p.Asp525=; no amino-acid change (aspartic acid 525 retained).
Molecular consequence: synonymous variant.
Genome position (GRCh38, 1-based): chr19:36,084,677, C>T. VCF-style: chr19-36084677-C-T. GRCh37 (hg19) VCF-style: chr19-36575579-C-T.
Other names: c.1575C>T, p.Asp525= (NM_173636.5).
Identifiers: ClinVar variation 513554 (VCV000513554.5), dbSNP rs192491678, ClinGen allele CA9395653.

ClinVar aggregate classification (germline): Likely benign. Review status: criteria provided, multiple submitters, no conflicts (2 of 4 stars). 3 submissions from 3 submitters: Likely benign (2). 1 of the submissions does not count toward it. Last evaluated 2018-08-09.

Conditions:
WDR62-related disorder. Also called: WDR62-related condition.

Allele frequency attached by ClinVar (database versions not stated): gnomAD 0.00003 and 0.00005; gnomAD exomes 0.00003 and 0.00012; TOPMed 0.00005; ExAC 0.00016; 1000 Genomes Project 0.00060; 1000 Genomes Project 30x 0.00078.
gnomAD v4.1: 50 of 1,613,804 alleles (0.0031%); highest among the groups gnomAD compares: East Asian, 0.082%; no homozygotes.

Submissions (3):

Labcorp Genetics (formerly Invitae), Labcorp
Classification: Likely benign. Last evaluated: 2018-08-09. Review status: criteria provided, single submitter. Criteria: Invitae Variant Classification Sherloc (09022015). Collection method: clinical testing. Allele origin: germline.

GeneDx
Classification: Likely benign. Last evaluated: 2017-11-17. Review status: criteria provided, single submitter. Criteria: GeneDx Variant Classification (06012015). Collection method: clinical testing. Allele origin: germline. Affected: yes.
Comment: This variant is considered likely benign or benign based on one or more of the following criteria: it is a conservative change, it occurs at a poorly conserved position in the protein, it is predicted to be benign by multiple in silico algorithms, and/or has population frequency not consistent with disease.

PreventionGenetics, part of Exact Sciences
Classification: Likely benign for WDR62-related condition. Last evaluated: 2024-06-19. Review status: no assertion criteria provided. Collection method: clinical testing. Allele origin: germline. Not counted in ClinVar's aggregate classification.
Comment: This variant is classified as likely benign based on ACMG/AMP sequence variant interpretation guidelines (Richards et al. 2015 PMID: 25741868, with internal and published modifications).